The following is an entry in ClinVar:

ClinVar aggregate classification (germline): Uncertain significance. Review status: criteria provided, multiple submitters, no conflicts (2 of 4 stars). 2 submissions from 2 submitters: Uncertain significance (2). Last evaluated 2026-01-02.

Conditions:
X-linked Alport syndrome (ATS1). Also called: COL4A5-Related Nephropathy; NEPHROPATHY AND DEAFNESS, X-LINKED. Identifiers: Orphanet 63, Orphanet 88917, MedGen C4746986, MONDO:0010520, OMIM 301050.

Allele frequency attached by ClinVar (database versions not stated): gnomAD 0.00001; TOPMed 0.00003.
gnomAD v4.1: 2 of 1,208,481 alleles (0.00017%); highest among the groups gnomAD compares: African/African-American, 0.0018%; no homozygotes.

Submissions (2):

Myriad Genetics, Inc.
Classification: Uncertain significance for X-linked Alport syndrome. Last evaluated: 2026-01-02. Review status: criteria provided, single submitter. Criteria: Myriad Autosomal Dominant, Autosomal Recessive and X-Linked Classification Criteria (2023). Collection method: clinical testing. Allele origin: unknown.
Comment: NM_000495.4(COL4A5):c.344C>T(A115V) is a missense variant classified as a variant of uncertain significance in the context of X-linked Alport syndrome. A115V has been observed in a case with relevant disease (PMID: 38972501). Relevant functional assessments of this variant are not available in the literature. A115V has not been observed in referenced population frequency databases. In summary, there is insufficient evidence to classify NM_000495.4(COL4A5):c.344C>T(A115V) as pathogenic or benign. Please note: this variant was assessed in the context of healthy population screening.

Labcorp Genetics (formerly Invitae), Labcorp
Classification: Uncertain significance. Last evaluated: 2023-08-10. Review status: criteria provided, single submitter. Criteria: Invitae Variant Classification Sherloc (09022015). Collection method: clinical testing. Allele origin: germline.
Comment: In summary, the available evidence is currently insufficient to determine the role of this variant in disease. Therefore, it has been classified as a Variant of Uncertain Significance. Advanced modeling of protein sequence and biophysical properties (such as structural, functional, and spatial information, amino acid conservation, physicochemical variation, residue mobility, and thermodynamic stability) performed at Invitae indicates that this missense variant is not expected to disrupt COL4A5 protein function. ClinVar contains an entry for this variant (Variation ID: 1988490). This variant has not been reported in the literature in individuals affected with COL4A5-related conditions. This variant is not present in population databases (gnomAD no frequency). This sequence change replaces alanine, which is neutral and non-polar, with valine, which is neutral and non-polar, at codon 115 of the COL4A5 protein (p.Ala115Val).

Literature cited by the submitters: PubMed 38972501 (cited by Myriad Genetics, Inc.).

NM_033380.3(COL4A5):c.344C>T (p.Ala115Val)

Gene: COL4A5 (collagen type IV alpha 5 chain; plus strand). Cytogenetic location: Xq22.3.
Variant type: single nucleotide variant.
Coding change: c.344C>T on transcript NM_033380.3 (MANE Select); coding-DNA position 344, C replaced by T.
Protein change: p.Ala115Val; replaces alanine 115 with valine.
Molecular consequence: missense variant.
Genome position (GRCh38, 1-based): chrX:108,568,781, C>T. VCF-style: chrX-108568781-C-T. GRCh37 (hg19) VCF-style: chrX-107812011-C-T.
Other names: c.344C>T, p.Ala115Val (NM_000495.5); short protein forms A115V.
Identifiers: ClinVar variation 1988490 (VCV001988490.4), dbSNP rs1220196062, ClinGen allele CA413918220.